The following is an entry in ClinVar:

NM_018297.4(NGLY1):c.395C>T (p.Thr132Ile)

Gene: NGLY1 (N-glycanase 1; minus strand). Cytogenetic location: 3p24.2.
Variant type: single nucleotide variant.
Coding change: c.395C>T on transcript NM_018297.4 (MANE Select); coding-DNA position 395, C replaced by T.
Protein change: p.Thr132Ile; replaces threonine 132 with isoleucine.
Molecular consequence: missense variant.
Genome position (GRCh38, 1-based): chr3:25,764,163, G>A on the plus strand (C>T on the coding strand, the complement: NGLY1 is on the minus strand). VCF-style: chr3-25764163-G-A. GRCh37 (hg19) VCF-style: chr3-25805654-G-A.
Other names: c.395C>T, p.Thr132Ile (NM_001145293.2, NM_001145295.2); c.269C>T, p.Thr90Ile (NM_001145294.2); short protein forms T132I, T90I.
Identifiers: ClinVar variation 2060110 (VCV002060110.4), dbSNP rs1202065665, ClinGen allele CA351908926.

ClinVar aggregate classification (germline): Uncertain significance (1 of 4 stars; one submission).

Conditions:
Congenital disorder of deglycosylation (CDDG). Identifiers: MedGen C3808991, MONDO:0031376.

Allele frequency attached by ClinVar (database versions not stated): TOPMed below 0.00001; gnomAD 0.00001.

Submission:

Labcorp Genetics (formerly Invitae), Labcorp
Classification: Uncertain significance for Congenital disorder of deglycosylation. Last evaluated: 2021-12-25. Review status: criteria provided, single submitter. Criteria: Invitae Variant Classification Sherloc (09022015). Collection method: clinical testing. Allele origin: germline.
Comment: This variant is not present in population databases (gnomAD no frequency). This variant has not been reported in the literature in individuals affected with NGLY1-related conditions. Algorithms developed to predict the effect of missense changes on protein structure and function output the following: SIFT: "Deleterious"; PolyPhen-2: "Benign"; Align-GVGD: "Class C0". The isoleucine amino acid residue is found in multiple mammalian species, which suggests that this missense change does not adversely affect protein function. In summary, the available evidence is currently insufficient to determine the role of this variant in disease. Therefore, it has been classified as a Variant of Uncertain Significance. This sequence change replaces threonine, which is neutral and polar, with isoleucine, which is neutral and non-polar, at codon 132 of the NGLY1 protein (p.Thr132Ile).